The following is an entry in ClinVar:

NM_001283009.2(RTEL1):c.2468del (p.Glu823fs)

Genes: RTEL1 (regulator of telomere elongation helicase 1; plus strand), RTEL1-TNFRSF6B (RTEL1-TNFRSF6B readthrough (NMD candidate); plus strand). Cytogenetic location: 20q13.33.
Variant type: Deletion.
Coding change: c.2468del on transcript NM_001283009.2 (MANE Select); coding-DNA position 2468, one base deleted (A; older notation c.2468delA).
Protein change: p.Glu823fs; shifts the reading frame from glutamic acid 823.
Molecular consequence: frameshift variant. On other transcripts: non-coding transcript variant (1).
Genome position (GRCh38, 1-based): chr20:63,690,859, A deleted. VCF-style (leftmost placement, unchanged base first): chr20-63690858-GA-G. GRCh37 (hg19) VCF-style: chr20-62322211-GA-G.
Other names: c.1799del, p.Glu600fs (NM_001283010.1); c.2468del, p.Glu823fs (NM_016434.4); c.2540del, p.Glu847fs (NM_032957.5); short protein forms E600fs, E823fs, E847fs.
Identifiers: ClinVar variation 2941010 (VCV002941010.3), dbSNP rs1188257054, ClinGen allele CA636359141.

ClinVar aggregate classification (germline): Pathogenic (1 of 4 stars; one submission).

Conditions:
Dyskeratosis congenita, autosomal recessive 5 (DKCB5). Identifiers: MedGen C3554656, MONDO:0014076, OMIM 615190.
Pulmonary fibrosis and/or bone marrow failure, Telomere-related, 3. Also called: PULMONARY FIBROSIS AND/OR BONE MARROW FAILURE SYNDROME, TELOMERE-RELATED, 3. Identifiers: Orphanet 2032, MedGen C4225346, MONDO:0014613, OMIM 616373.

Allele frequency attached by ClinVar (database versions not stated): gnomAD exomes below 0.00001; TOPMed 0.00001.

Submission:

Labcorp Genetics (formerly Invitae), Labcorp
Classification: Pathogenic for Dyskeratosis congenita, autosomal recessive 5; Pulmonary fibrosis and/or bone marrow failure, Telomere-related, 3. Last evaluated: 2023-12-09. Review status: criteria provided, single submitter. Criteria: Invitae Variant Classification Sherloc (09022015). Collection method: clinical testing. Allele origin: germline.
Comment: This sequence change creates a premature translational stop signal (p.Glu823Glyfs*81) in the RTEL1 gene. It is expected to result in an absent or disrupted protein product. Loss-of-function variants in RTEL1 are known to be pathogenic (PMID: 23453664, 23959892, 25607374). This variant is present in population databases (no rsID available, gnomAD 0.003%). This variant has not been reported in the literature in individuals affected with RTEL1-related conditions. Algorithms developed to predict the effect of sequence changes on RNA splicing suggest that this variant may disrupt the consensus splice site. For these reasons, this variant has been classified as Pathogenic.

Literature cited by the submitters: PubMed 23453664; PubMed 23959892; PubMed 25607374.